The following is an entry in ClinVar:

ClinVar aggregate classification (germline): Uncertain significance. Review status: criteria provided, multiple submitters, no conflicts (2 of 4 stars). 2 submissions from 2 submitters: Uncertain significance (2). Last evaluated 2022-03-19.

Conditions:
Inborn genetic diseases. Identifiers: MedGen C0950123, MeSH D030342.

Allele frequency attached by ClinVar (database versions not stated): gnomAD exomes 0.00003 and 0.00009; ExAC 0.00012; ESP Exome Variant Server 0.00015; gnomAD 0.00032 and 0.00036; TOPMed 0.00072.
gnomAD v4.1: 94 of 1,614,152 alleles (0.0058%); highest among the groups gnomAD compares: African/African-American, 0.077%; 1 homozygote.

Submissions (2):

Labcorp Genetics (formerly Invitae), Labcorp
Classification: Uncertain significance. Last evaluated: 2022-03-19. Review status: criteria provided, single submitter. Criteria: Invitae Variant Classification Sherloc (09022015). Collection method: clinical testing. Allele origin: germline.
Comment: This sequence change replaces glutamic acid, which is acidic and polar, with aspartic acid, which is acidic and polar, at codon 377 of the WDR4 protein (p.Glu377Asp). This variant is present in population databases (rs146736520, gnomAD 0.08%). This variant has not been reported in the literature in individuals affected with WDR4-related conditions. Algorithms developed to predict the effect of missense changes on protein structure and function are either unavailable or do not agree on the potential impact of this missense change (SIFT: "Tolerated"; PolyPhen-2: "Possibly Damaging"; Align-GVGD: "Class C0"). In summary, the available evidence is currently insufficient to determine the role of this variant in disease. Therefore, it has been classified as a Variant of Uncertain Significance.

Ambry Genetics
Classification: Uncertain significance for Inborn genetic diseases. Last evaluated: 2021-05-21. Review status: criteria provided, single submitter. Criteria: Ambry Variant Classification Scheme 2023. Collection method: clinical testing. Allele origin: germline.

NM_018669.6(WDR4):c.1131G>C (p.Glu377Asp)

Gene: WDR4 (WDR4 tRNA N7-guanosine methyltransferase non-catalytic subunit; minus strand). Cytogenetic location: 21q22.3.
Variant type: single nucleotide variant.
Coding change: c.1131G>C on transcript NM_018669.6 (MANE Select); coding-DNA position 1131, G replaced by C.
Protein change: p.Glu377Asp; replaces glutamic acid 377 with aspartic acid.
Molecular consequence: missense variant. On other transcripts: non-coding transcript variant (1).
Genome position (GRCh38, 1-based): chr21:42,850,157, C>G on the plus strand (G>C on the coding strand, the complement: WDR4 is on the minus strand). VCF-style: chr21-42850157-C-G. GRCh37 (hg19) VCF-style: chr21-44270267-C-G.
Other names: c.1128G>C, p.Glu376Asp (NM_001260474.2); c.693G>C, p.Glu231Asp (NM_001260475.2, NM_001260476.2, NM_001260477.2); c.1131G>C, p.Glu377Asp (NM_033661.5); c.1131G>C (NM_018669.4); short protein forms E231D, E377D, E376D.
Identifiers: ClinVar variation 1510448 (VCV001510448.4), dbSNP rs146736520, ClinGen allele CA10045781.